The following is an entry in ClinVar:

NM_006030.4(CACNA2D2):c.3050C>G (p.Ser1017Trp)

Genes: CACNA2D2 (calcium voltage-gated channel auxiliary subunit alpha2delta 2; minus strand), LOC101928965 (uncharacterized LOC101928965; plus strand), LOC127898564 (CYB561D2-LOC101928965; plus strand). Cytogenetic location: 3p21.31.
Variant type: single nucleotide variant.
Coding change: c.3050C>G on transcript NM_006030.4 (MANE Select); coding-DNA position 3050, C replaced by G.
Protein change: p.Ser1017Trp; replaces serine 1017 with tryptophan.
Molecular consequence: missense variant. On other transcripts: non-coding transcript variant (2).
Genome position (GRCh38, 1-based): chr3:50,365,404, G>C on the plus strand (C>G on the coding strand, the complement: CACNA2D2 is on the minus strand). VCF-style: chr3-50365404-G-C. GRCh37 (hg19) VCF-style: chr3-50402835-G-C.
Other names: c.3050C>G, p.Ser1017Trp (NM_001005505.3); c.3071C>G, p.Ser1024Trp (NM_001174051.3); c.2843C>G, p.Ser948Trp (NM_001291101.1); short protein forms S1024W, S948W, S1017W.
Identifiers: ClinVar variation 1497086 (VCV001497086.9), dbSNP rs745556824, ClinGen allele CA2418251.

ClinVar aggregate classification (germline): Uncertain significance (1 of 4 stars; one submission).

Conditions:
Early-infantile DEE. Also called: Early infantile epileptic encephalopathy; Early infantile epileptic encephalopathy with suppression bursts; Ohtahara syndrome. Identifiers: Orphanet 1934, MedGen C0393706, MONDO:0800491.

Allele frequency attached by ClinVar (database versions not stated): gnomAD exomes 0.00001.
gnomAD v4.1: 2 of 1,613,644 alleles (0.00012%); highest among the groups gnomAD compares: East Asian, 0.0045%; no homozygotes.

Submission:

Labcorp Genetics (formerly Invitae), Labcorp
Classification: Uncertain significance for Early-infantile DEE. Last evaluated: 2021-07-24. Review status: criteria provided, single submitter. Criteria: Invitae Variant Classification Sherloc (09022015). Collection method: clinical testing. Allele origin: germline.
Comment: In summary, the available evidence is currently insufficient to determine the role of this variant in disease. Therefore, it has been classified as a Variant of Uncertain Significance. Algorithms developed to predict the effect of missense changes on protein structure and function (SIFT, PolyPhen-2, Align-GVGD) all suggest that this variant is likely to be disruptive, but these predictions have not been confirmed by published functional studies and their clinical significance is uncertain. This variant has not been reported in the literature in individuals with CACNA2D2-related conditions. This variant is present in population databases (rs745556824, ExAC 0.01%). This sequence change replaces serine with tryptophan at codon 1017 of the CACNA2D2 protein (p.Ser1017Trp). The serine residue is moderately conserved and there is a large physicochemical difference between serine and tryptophan.